The following is an entry in ClinVar:

ClinVar aggregate classification (germline): Uncertain significance (1 of 4 stars; one submission).

Conditions:
Hereditary cancer-predisposing syndrome. Also called: Neoplastic Syndromes, Hereditary; Tumor predisposition; Hereditary Cancer Syndrome; Hereditary neoplastic syndrome. Identifiers: Orphanet 140162, MedGen C0027672, MeSH D009386, MONDO:0015356.

Submission:

Color Diagnostics, LLC DBA Color Health
Classification: Uncertain significance for Hereditary cancer-predisposing syndrome. Last evaluated: 2020-01-07. Review status: criteria provided, single submitter. Criteria: ACMG Guidelines, 2015. Collection method: clinical testing. Allele origin: germline.
Comment: This variant is located in the translation initiator codon of CHEK2 mRNA. Because a downstream methionine at codon 46 may be used to initiate CHEK2 translation, the impact to this variant on translation is not known. To our knowledge, experimental functional studies of CHEK2 translation have not been performed for this variant. This variant has not been reported in individuals affected with hereditary cancer in the literature. This variant has not been identified in the general population by the Genome Aggregation Database (gnomAD). The available evidence is insufficient to determine the role of this variant in disease conclusively. Therefore, this variant is classified as a Variant of Uncertain Significance.

NM_007194.4(CHEK2):c.3G>C (p.Met1Ile)

Gene: CHEK2 (checkpoint kinase 2; minus strand). Cytogenetic location: 22q12.1.
Variant type: single nucleotide variant.
Coding change: c.3G>C on transcript NM_007194.4 (MANE Select); coding-DNA position 3, G replaced by C.
Protein change: p.Met1Ile; changes the start codon (methionine 1).
Molecular consequence: missense variant, initiator codon variant.
Genome position (GRCh38, 1-based): chr22:28,734,719, C>G on the plus strand (G>C on the coding strand, the complement: CHEK2 is on the minus strand). VCF-style: chr22-28734719-C-G. GRCh37 (hg19) VCF-style: chr22-29130707-C-G.
Other names: c.3G>C, p.Met1Ile (NM_001005735.3, NM_001349956.3, NM_145862.3); c.-775G>C (NM_001257387.3); short protein forms M1I.
Identifiers: ClinVar variation 920652 (VCV000920652.4), dbSNP rs786203977, ClinGen allele CA411092181.